The following is an entry in ClinVar:

NM_004304.5(ALK):c.3451A>G (p.Thr1151Ala)

Gene: ALK (ALK receptor tyrosine kinase; minus strand). Cytogenetic location: 2p23.2.
Variant type: single nucleotide variant.
Coding change: c.3451A>G on transcript NM_004304.5 (MANE Select); coding-DNA position 3451, A replaced by G.
Protein change: p.Thr1151Ala; replaces threonine 1151 with alanine.
Molecular consequence: missense variant.
Genome position (GRCh38, 1-based): chr2:29,222,408, T>C on the plus strand (A>G on the coding strand, the complement: ALK is on the minus strand). VCF-style: chr2-29222408-T-C. GRCh37 (hg19) VCF-style: chr2-29445274-T-C.
Other names: c.247A>G, p.Thr83Ala (NM_001353765.2); short protein forms T1151A, T83A.
Identifiers: ClinVar variation 4805262 (VCV004805262.1).

ClinVar aggregate classification (germline): Uncertain significance (1 of 4 stars; one submission).

Conditions:
Neuroblastoma, susceptibility to, 3. Also called: ALK-Related Neuroblastic Tumor Susceptibility. Identifiers: Orphanet 635, MedGen C2751681, MONDO:0013083, OMIM 613014.

Submission:

Labcorp Genetics (formerly Invitae), Labcorp
Classification: Uncertain significance for Neuroblastoma, susceptibility to, 3. Last evaluated: 2025-05-05. Review status: criteria provided, single submitter. Criteria: Invitae Variant Classification Sherloc (09022015). Collection method: clinical testing. Allele origin: germline.
Comment: This sequence change replaces threonine, which is neutral and polar, with alanine, which is neutral and non-polar, at codon 1151 of the ALK protein (p.Thr1151Ala). This variant is not present in population databases (gnomAD no frequency). This variant has not been reported in the literature in individuals affected with ALK-related conditions. An algorithm developed to predict the effect of missense changes on protein structure and function (PolyPhen-2) suggests that this variant is likely to be disruptive. In summary, the available evidence is currently insufficient to determine the role of this variant in disease. Therefore, it has been classified as a Variant of Uncertain Significance.